The following is an entry in ClinVar:

ClinVar aggregate classification (germline): Uncertain significance (1 of 4 stars; one submission).

Submission:

Labcorp Genetics (formerly Invitae), Labcorp
Classification: Uncertain significance. Last evaluated: 2023-06-20. Review status: criteria provided, single submitter. Criteria: Invitae Variant Classification Sherloc (09022015). Collection method: clinical testing. Allele origin: germline.
Comment: In summary, the available evidence is currently insufficient to determine the role of this variant in disease. Therefore, it has been classified as a Variant of Uncertain Significance. Algorithms developed to predict the effect of missense changes on protein structure and function output the following: SIFT: "Not Available"; PolyPhen-2: "Benign"; Align-GVGD: "Not Available". The alanine amino acid residue is found in multiple mammalian species, which suggests that this missense change does not adversely affect protein function. This variant has not been reported in the literature in individuals affected with KLF11-related conditions. This variant is not present in population databases (gnomAD no frequency). This sequence change replaces proline, which is neutral and non-polar, with alanine, which is neutral and non-polar, at codon 92 of the KLF11 protein (p.Pro92Ala).

NM_003597.5(KLF11):c.274C>G (p.Pro92Ala)

Gene: KLF11 (KLF transcription factor 11; plus strand). Cytogenetic location: 2p25.1.
Variant type: single nucleotide variant.
Coding change: c.274C>G on transcript NM_003597.5 (MANE Select); coding-DNA position 274, C replaced by G.
Protein change: p.Pro92Ala; replaces proline 92 with alanine.
Molecular consequence: missense variant.
Genome position (GRCh38, 1-based): chr2:10,046,381, C>G. VCF-style: chr2-10046381-C-G. GRCh37 (hg19) VCF-style: chr2-10186508-C-G.
Other names: c.223C>G, p.Pro75Ala (NM_001177716.2, NM_001177718.2); short protein forms P75A, P92A.
Identifiers: ClinVar variation 2779688 (VCV002779688.3), dbSNP rs2527704888, ClinGen allele CA345800729.